The following is an entry in ClinVar:

ClinVar aggregate classification (germline): Pathogenic (1 of 4 stars; one submission).

Submission:

Labcorp Genetics (formerly Invitae), Labcorp
Classification: Pathogenic. Last evaluated: 2024-07-30. Review status: criteria provided, single submitter. Criteria: Invitae Variant Classification Sherloc (09022015). Collection method: clinical testing. Allele origin: germline.
Comment: This sequence change replaces glycine, which is neutral and non-polar, with alanine, which is neutral and non-polar, at codon 1235 of the COL4A5 protein (p.Gly1235Ala). This variant is not present in population databases (gnomAD no frequency). This missense change has been observed in individuals with Alport syndrome (PMID: 30577881; Invitae). Advanced modeling of protein sequence and biophysical properties (such as structural, functional, and spatial information, amino acid conservation, physicochemical variation, residue mobility, and thermodynamic stability) performed at Invitae indicates that this missense variant is expected to disrupt COL4A5 protein function with a positive predictive value of 95%. This variant disrupts the triple helix domain of COL4A5. Glycine residues within the Gly-Xaa-Yaa repeats of the triple helix domain are required for the structure and stability of fibrillar collagens (PMID: 7695699, 8218237, 19344236). In COL4A5, missense variants at these glycine residues are significantly enriched in individuals with disease (PMID: 23720012, 27627812) compared to the general population (ExAC). For these reasons, this variant has been classified as Pathogenic.

Literature cited by the submitters: PubMed 30577881; PubMed 7695699; PubMed 8218237; PubMed 19344236; PubMed 23720012; PubMed 27627812.

NM_033380.3(COL4A5):c.3704G>C (p.Gly1235Ala)

Gene: COL4A5 (collagen type IV alpha 5 chain; plus strand). Cytogenetic location: Xq22.3.
Variant type: single nucleotide variant.
Coding change: c.3704G>C on transcript NM_033380.3 (MANE Select); coding-DNA position 3704, G replaced by C.
Protein change: p.Gly1235Ala; replaces glycine 1235 with alanine.
Molecular consequence: missense variant.
Genome position (GRCh38, 1-based): chrX:108,668,418, G>C. VCF-style: chrX-108668418-G-C. GRCh37 (hg19) VCF-style: chrX-107911648-G-C.
Other names: c.3704G>C, p.Gly1235Ala (NM_000495.5); short protein forms G1235A.
Identifiers: ClinVar variation 2915529 (VCV002915529.3), dbSNP rs2068130178, ClinGen allele CA413848840.
Genomic context (GRCh38, chrX:108,668,418, plus strand): 5'-ATCCTGGCCTTCCAGGTCCAAAGGGCGAACCAGGCTTTCACGGTTTCCCTGGTGTGCAGG[G>C]TCCCCCAGGCCCTCCTGGTTCTCCGGGTCCAGCTCTGGAAGGACCTAAAGGCAACCCTGG-3'
Protein context (NP_203699.1, residues 1225-1245): PGFHGFPGVQ[Gly1235Ala]PPGPPGSPGP